The following is an entry in ClinVar:

ClinVar aggregate classification (germline): Uncertain significance. Review status: criteria provided, multiple submitters, no conflicts (2 of 4 stars). 4 submissions from 4 submitters: Uncertain significance (4). Last evaluated 2024-04-04.

Conditions:
Dilated cardiomyopathy 1KK (CMD1KK). Identifiers: Orphanet 154, Orphanet 75249, MedGen C3714995, MONDO:0014100, OMIM 615248.
MYPN-related myopathy (CMYO24). Also called: Nemaline myopathy 11, autosomal recessive. Identifiers: MedGen C4479186, MONDO:0015023, OMIM 617336.
Cardiovascular phenotype. Identifiers: MedGen CN230736.
Cardiomyopathy (CMYO). Also called: Cardiomyopathies. Identifiers: Orphanet 167848, MedGen C0878544, MONDO:0004994, HP:0001638. Inheritance: Various modes of inheritance.

Allele frequency attached by ClinVar (database versions not stated): gnomAD exomes 0.00001.
gnomAD v4.1: 5 of 1,614,082 alleles (0.00031%); highest among the groups gnomAD compares: Non-Finnish European, 0.00042%; no homozygotes.

Submissions (4):

Ambry Genetics
Classification: Uncertain significance for Cardiovascular phenotype. Last evaluated: 2024-04-04. Review status: criteria provided, single submitter. Criteria: Ambry Variant Classification Scheme 2023. Collection method: clinical testing. Allele origin: germline.
Comment: The p.R1216G variant (also known as c.3646A>G), located in coding exon 17 of the MYPN gene, results from an A to G substitution at nucleotide position 3646. The arginine at codon 1216 is replaced by glycine, an amino acid with dissimilar properties. This amino acid position is well conserved in available vertebrate species. In addition, this alteration is predicted to be tolerated by in silico analysis. Since supporting evidence is limited at this time, the clinical significance of this alteration remains unclear.

Labcorp Genetics (formerly Invitae), Labcorp
Classification: Uncertain significance for Dilated cardiomyopathy 1KK. Last evaluated: 2021-12-17. Review status: criteria provided, single submitter. Criteria: Invitae Variant Classification Sherloc (09022015). Collection method: clinical testing. Allele origin: germline.
Comment: This variant has not been reported in the literature in individuals affected with MYPN-related conditions. ClinVar contains an entry for this variant (Variation ID: 691657). Algorithms developed to predict the effect of missense changes on protein structure and function are either unavailable or do not agree on the potential impact of this missense change (SIFT: "Deleterious"; PolyPhen-2: "Probably Damaging"; Align-GVGD: "Class C0"). In summary, the available evidence is currently insufficient to determine the role of this variant in disease. Therefore, it has been classified as a Variant of Uncertain Significance. This variant is not present in population databases (gnomAD no frequency). This sequence change replaces arginine, which is basic and polar, with glycine, which is neutral and non-polar, at codon 1216 of the MYPN protein (p.Arg1216Gly).

Fulgent Genetics
Classification: Uncertain significance for Dilated cardiomyopathy 1KK; MYPN-related myopathy. Last evaluated: 2021-10-17. Review status: criteria provided, single submitter. Criteria: ACMG Guidelines, 2015. Collection method: clinical testing. Allele origin: unknown.

Center for Advanced Laboratory Medicine, UC San Diego Health, University of California San Diego
Classification: Uncertain significance for Cardiomyopathy. Last evaluated: 2019-05-21. Review status: criteria provided, single submitter. Criteria: ACMG Guidelines, 2015. Collection method: clinical testing. Allele origin: germline. Affected: yes. Observed: 1 variant allele.

NM_032578.4(MYPN):c.3646A>G (p.Arg1216Gly)

Gene: MYPN (myopalladin; plus strand). Cytogenetic location: 10q21.3.
Variant type: single nucleotide variant.
Coding change: c.3646A>G on transcript NM_032578.4 (MANE Select); coding-DNA position 3646, A replaced by G.
Protein change: p.Arg1216Gly; replaces arginine 1216 with glycine.
Molecular consequence: missense variant. On other transcripts: non-coding transcript variant (2).
Genome position (GRCh38, 1-based): chr10:68,201,981, A>G. VCF-style: chr10-68201981-A-G. GRCh37 (hg19) VCF-style: chr10-69961738-A-G.
Other names: c.3646A>G, p.Arg1216Gly (NM_001256267.2); c.2764A>G, p.Arg922Gly (NM_001256268.2); short protein forms R1216G, R922G.
Identifiers: ClinVar variation 691657 (VCV000691657.11), dbSNP rs1589614570, ClinGen allele CA376860357.